The following is an entry in ClinVar:

ClinVar aggregate classification (germline): Likely benign. Review status: criteria provided, multiple submitters, no conflicts (2 of 4 stars). 2 submissions from 2 submitters: Likely benign (2). Last evaluated 2026-07-14.

Conditions:
BDP1-related disorder. Also called: BDP1-related condition.

Allele frequency attached by ClinVar (database versions not stated): gnomAD exomes 0.00007 and 0.00033; ExAC 0.00033; ESP Exome Variant Server 0.00034; gnomAD 0.00038 and 0.00039; TOPMed 0.00043; 1000 Genomes Project 30x 0.00047; 1000 Genomes Project 0.00060.
gnomAD v4.1: 196 of 1,613,526 alleles (0.012%); highest among the groups gnomAD compares: East Asian, 0.2%; no homozygotes.

Submissions (2):

PreventionGenetics, part of Exact Sciences
Classification: Likely benign for BDP1-related condition. Last evaluated: 2026-07-14. Review status: criteria provided, single submitter. Criteria: ACMG Guidelines, 2015. Collection method: clinical testing. Allele origin: germline.
Comment: This variant is classified as likely benign based on ACMG/AMP sequence variant interpretation guidelines (Richards et al. 2015 PMID: 25741868, with internal and published modifications).

GeneDx
Classification: Likely benign. Last evaluated: 2020-10-27. Review status: criteria provided, single submitter. Criteria: GeneDx Variant Classification Process June 2021. Collection method: clinical testing. Allele origin: germline. Affected: yes.

NM_018429.3(BDP1):c.2535A>G (p.Ala845=)

Gene: BDP1 (BDP1 general transcription factor IIIB subunit; plus strand). Cytogenetic location: 5q13.2.
Variant type: single nucleotide variant.
Coding change: c.2535A>G on transcript NM_018429.3 (MANE Select); coding-DNA position 2535, A replaced by G.
Protein change: p.Ala845=; no amino-acid change (alanine 845 retained).
Molecular consequence: synonymous variant.
Genome position (GRCh38, 1-based): chr5:71,509,627, A>G. VCF-style: chr5-71509627-A-G. GRCh37 (hg19) VCF-style: chr5-70805454-A-G.
Identifiers: ClinVar variation 1316117 (VCV001316117.3), dbSNP rs202085592, ClinGen allele CA3296328.